The following is an entry in ClinVar:

ClinVar aggregate classification (germline): Uncertain significance. Review status: criteria provided, multiple submitters, no conflicts (2 of 4 stars). 2 submissions from 2 submitters: Uncertain significance (2). Last evaluated 2020-12-12.

Conditions:
Charcot-Marie-Tooth disease axonal type 2O. Also called: CHARCOT-MARIE-TOOTH NEUROPATHY, AXONAL, TYPE 2O; CHARCOT-MARIE-TOOTH DISEASE, AXONAL, AUTOSOMAL DOMINANT, TYPE 2O; Charcot-Marie-Tooth Neuropathy Type 2O; Charcot-Marie-Tooth disease, axonal, type 20. Identifiers: Orphanet 284232, MedGen C3280220, MONDO:0013644, OMIM 614228.

Submissions (2):

Labcorp Genetics (formerly Invitae), Labcorp
Classification: Uncertain significance for Charcot-Marie-Tooth disease axonal type 2O. Last evaluated: 2020-12-12. Review status: criteria provided, single submitter. Criteria: Invitae Variant Classification Sherloc (09022015). Collection method: clinical testing. Allele origin: germline.
Comment: This sequence change replaces valine with leucine at codon 3307 of the DYNC1H1 protein (p.Val3307Leu). The valine residue is highly conserved and there is a small physicochemical difference between valine and leucine. This variant is not present in population databases (ExAC no frequency). This variant has not been reported in the literature in individuals with DYNC1H1-related conditions. ClinVar contains an entry for this variant (Variation ID: 974689). Advanced modeling of protein sequence and biophysical properties (such as structural, functional, and spatial information, amino acid conservation, physicochemical variation, residue mobility, and thermodynamic stability) performed at Invitae indicates that this missense variant is not expected to disrupt DYNC1H1 protein function. In summary, the available evidence is currently insufficient to determine the role of this variant in disease. Therefore, it has been classified as a Variant of Uncertain Significance.

Istituto Neurologico Mediterraneo, Istituto di Ricovero e Cura a Carattere Scientifico
Classification: Uncertain significance for Charcot-Marie-Tooth disease axonal type 2O. Last evaluated: 2020-01-26. Review status: criteria provided, single submitter. Criteria: ACMG Guidelines, 2015. Collection method: clinical testing. Allele origin: de novo. Inheritance: Autosomal dominant inheritance. Affected: yes. Observed: 1 heterozygote.

NM_001376.5(DYNC1H1):c.9919G>T (p.Val3307Leu)

Gene: DYNC1H1 (dynein cytoplasmic 1 heavy chain 1; plus strand). Cytogenetic location: 14q32.31.
Variant type: single nucleotide variant.
Coding change: c.9919G>T on transcript NM_001376.5 (MANE Select); coding-DNA position 9919, G replaced by T.
Protein change: p.Val3307Leu; replaces valine 3307 with leucine.
Molecular consequence: missense variant.
Genome position (GRCh38, 1-based): chr14:102,032,307, G>T. VCF-style: chr14-102032307-G-T. GRCh37 (hg19) VCF-style: chr14-102498644-G-T.
Other names: short protein forms V3307L.
Identifiers: ClinVar variation 974689 (VCV000974689.10), dbSNP rs2048518278, ClinGen allele CA391019732.